The following is an entry in ClinVar:

NM_004320.6(ATP2A1):c.1614G>A (p.Thr538=)

Gene: ATP2A1 (ATPase sarcoplasmic/endoplasmic reticulum Ca2+ transporting 1; plus strand). Cytogenetic location: 16p11.2.
Variant type: single nucleotide variant.
Coding change: c.1614G>A on transcript NM_004320.6 (MANE Select); coding-DNA position 1614, G replaced by A.
Protein change: p.Thr538=; no amino-acid change (threonine 538 retained).
Molecular consequence: synonymous variant.
Genome position (GRCh38, 1-based): chr16:28,898,301, G>A. VCF-style: chr16-28898301-G-A. GRCh37 (hg19) VCF-style: chr16-28909622-G-A.
Other names: p.Thr538=; c.1239G>A, p.Thr413= (NM_001286075.2); c.1614G>A, p.Thr538= (NM_173201.5); c.1614G>A (NM_004320.4, NM_173201.4).
Identifiers: ClinVar variation 96540 (VCV000096540.21), dbSNP rs12596913, ClinGen allele CA149599.

ClinVar aggregate classification (germline): Benign. Review status: criteria provided, multiple submitters, no conflicts (2 of 4 stars). 7 submissions from 7 submitters: Benign (7). Last evaluated 2026-01-26.

Conditions:
Brody myopathy. Also called: BRODY DISEASE. Identifiers: Orphanet 53347, MedGen C1832918, MONDO:0010977, OMIM 601003.

Allele frequency attached by ClinVar (database versions not stated): ESP Exome Variant Server 0.01301; TOPMed 0.01585; 1000 Genomes Project 30x 0.03795; 1000 Genomes Project 0.03894.
gnomAD v4.1: 15,337 of 1,614,238 alleles (0.95%); highest among the groups gnomAD compares: East Asian, 12%; 476 homozygotes.

Submissions (7):

Labcorp Genetics (formerly Invitae), Labcorp
Classification: Benign for Brody myopathy. Last evaluated: 2026-01-26. Review status: criteria provided, single submitter. Criteria: Invitae Variant Classification Sherloc (09022015). Collection method: clinical testing. Allele origin: germline.

Mayo Clinic Laboratories, Mayo Clinic
Classification: Benign. Last evaluated: 2023-10-18. Review status: criteria provided, single submitter. Criteria: ACMG Guidelines, 2015. Collection method: clinical testing. Allele origin: germline. Observed: 12 variant alleles.

Athena Diagnostics
Classification: Benign. Last evaluated: 2023-10-16. Review status: criteria provided, single submitter. Criteria: Athena Diagnostics Criteria. Collection method: clinical testing. Allele origin: unknown.

Illumina Laboratory Services, Illumina
Classification: Benign for Brody myopathy. Last evaluated: 2018-01-13. Review status: criteria provided, single submitter. Criteria: ICSL Variant Classification Criteria 13 December 2019. Collection method: clinical testing. Allele origin: germline.
Comment: This variant was observed in the ICSL laboratory as part of a predisposition screen in an ostensibly healthy population. It had not been previously curated by ICSL or reported in the Human Gene Mutation Database (HGMD: prior to June 1st, 2018), and was therefore a candidate for classification through an automated scoring system. Utilizing variant allele frequency, disease prevalence and penetrance estimates, and inheritance mode, an automated score was calculated to assess if this variant is too frequent to cause the disease. Based on the score and internal cut-off values, a variant classified as benign is not then subjected to further curation. The score for this variant resulted in a classification of benign for this disease.

GeneDx
Classification: Benign. Last evaluated: 2016-04-01. Review status: criteria provided, single submitter. Criteria: GeneDx Variant Classification (06012015). Collection method: clinical testing. Allele origin: germline. Affected: yes.
Comment: This variant is considered likely benign or benign based on one or more of the following criteria: it is a conservative change, it occurs at a poorly conserved position in the protein, it is predicted to be benign by multiple in silico algorithms, and/or has population frequency not consistent with disease.

Eurofins Ntd Llc (ga)
Classification: Benign. Last evaluated: 2013-01-15. Review status: criteria provided, single submitter. Criteria: EGL Classification Definitions 2015. Collection method: clinical testing. Allele origin: germline. Observed: 2 variant alleles, 2 heterozygotes.

Breakthrough Genomics
Classification: Benign. Review status: criteria provided, single submitter. Criteria: ACMG Guidelines, 2015. Collection method: not provided. Allele origin: germline. Inheritance: Autosomal recessive inheritance. Affected: yes.